The following is an entry in ClinVar:

NM_017849.4(TMEM127):c.281G>T (p.Arg94Leu)

Gene: TMEM127 (transmembrane protein 127; minus strand). Cytogenetic location: 2q11.2.
Variant type: single nucleotide variant.
Coding change: c.281G>T on transcript NM_017849.4 (MANE Select); coding-DNA position 281, G replaced by T.
Protein change: p.Arg94Leu; replaces arginine 94 with leucine.
Molecular consequence: missense variant.
Genome position (GRCh38, 1-based): chr2:96,254,961, C>A on the plus strand (G>T on the coding strand, the complement: TMEM127 is on the minus strand). VCF-style: chr2-96254961-C-A. GRCh37 (hg19) VCF-style: chr2-96920699-C-A.
Other names: c.281G>T, p.Arg94Leu (NM_001193304.3); short protein forms R94L.
Identifiers: ClinVar variation 861978 (VCV000861978.9), dbSNP rs746831347, ClinGen allele CA347653584.

ClinVar aggregate classification (germline): Uncertain significance (1 of 4 stars; one submission).

Conditions:
Hereditary pheochromocytoma and paraganglioma. Also called: Hereditary pheochromocytoma-paraganglioma; Hereditary paragangliomas and pheochromocytomas; Hereditary Paraganglioma-Pheochromocytoma Syndromes. Identifiers: Orphanet 29072, MedGen C4274332, MONDO:0017366.

Submission:

Labcorp Genetics (formerly Invitae), Labcorp
Classification: Uncertain significance for Hereditary pheochromocytoma and paraganglioma. Last evaluated: 2021-01-15. Review status: criteria provided, single submitter. Criteria: Invitae Variant Classification Sherloc (09022015). Collection method: clinical testing. Allele origin: germline.
Comment: This sequence change replaces arginine with leucine at codon 94 of the TMEM127 protein (p.Arg94Leu). The arginine residue is highly conserved and there is a moderate physicochemical difference between arginine and leucine. This variant is not present in population databases (ExAC no frequency). This variant has not been reported in the literature in individuals with TMEM127-related conditions. Algorithms developed to predict the effect of missense changes on protein structure and function are either unavailable or do not agree on the potential impact of this missense change (SIFT: "Deleterious"; PolyPhen-2: "Benign"; Align-GVGD: "Class C65"). In summary, the available evidence is currently insufficient to determine the role of this variant in disease. Therefore, it has been classified as a Variant of Uncertain Significance.